The following is an entry in ClinVar:

ClinVar aggregate classification (germline): Uncertain significance (1 of 4 stars; one submission).

Conditions:
Myoclonic dystonia 11 (DYT11). Also called: Myoclonic dystonia; Dystonia 11; Dystonia, alcohol responsive; Hereditary essential myoclonus; SGCE Myoclonus-Dystonia; Myoclonus-Dystonia. Identifiers: Orphanet 36899, MedGen C1834570, MONDO:0008044, OMIM 159900.

Allele frequency attached by ClinVar (database versions not stated): gnomAD exomes below 0.00001; TOPMed below 0.00001.
gnomAD v4.1: 2 of 1,588,484 alleles (0.00013%); highest among the groups gnomAD compares: Non-Finnish European, 0.00017%; no homozygotes.

Submission:

Labcorp Genetics (formerly Invitae), Labcorp
Classification: Uncertain significance for Myoclonic dystonia 11. Last evaluated: 2022-10-23. Review status: criteria provided, single submitter. Criteria: Invitae Variant Classification Sherloc (09022015). Collection method: clinical testing. Allele origin: germline.
Comment: In summary, the available evidence is currently insufficient to determine the role of this variant in disease. Therefore, it has been classified as a Variant of Uncertain Significance. Algorithms developed to predict the effect of sequence changes on RNA splicing suggest that this variant may disrupt the consensus splice site. This variant has not been reported in the literature in individuals affected with SGCE-related conditions. This variant is not present in population databases (gnomAD no frequency). This sequence change falls in intron 10 of the SGCE gene. It does not directly change the encoded amino acid sequence of the SGCE protein.

NM_003919.3(SGCE):c.1298-14C>A

Genes: CASD1 (CAS1 domain sialic acid O acetyltransferase 1; plus strand), SGCE (sarcoglycan epsilon; minus strand). Cytogenetic location: 7q21.3.
Variant type: single nucleotide variant.
Coding change: c.1298-14C>A on transcript NM_003919.3 (MANE Select); 14 bases into the intron before coding-DNA position 1298, C replaced by A.
Molecular consequence: intron variant.
Genome position (GRCh38, 1-based): chr7:94,585,529, G>T on the plus strand (C>A on the coding strand, the complement: SGCE is on the minus strand). VCF-style: chr7-94585529-G-T. GRCh37 (hg19) VCF-style: chr7-94214841-G-T.
Other names: c.1148-14C>A (NM_001362809.2); c.1175-14C>A (NM_001301139.2); c.1271-14C>A (NM_001346717.2); c.1306-14C>A (NM_001099400.2); c.1373-14C>A (NM_001099401.2); c.1379-14C>A (NM_001346715.2); c.1406-14C>A (NM_001346713.2); c.1184-14C>A (NM_001362807.2); and 3 more.
Identifiers: ClinVar variation 2154627 (VCV002154627.4), dbSNP rs1796773803, ClinGen allele CA1726883262.